The following is an entry in ClinVar:

NM_001453.3(FOXC1):c.925_949del (p.Ser309fs)

Gene: FOXC1 (forkhead box C1; plus strand). Cytogenetic location: 6p25.3.
Variant type: Deletion.
Coding change: c.925_949del on transcript NM_001453.3 (MANE Select); coding-DNA positions 925 to 949, 25 bases deleted (AGCGTGGACAACATCATGACGTCGC).
Protein change: p.Ser309fs; shifts the reading frame from serine 309.
Molecular consequence: frameshift variant.
Genome position (GRCh38, 1-based): chr6:1,611,370-1,611,394, AGCGTGGACAACATCATGACGTCGC deleted; deleting any 25 consecutive bases within chr6:1,611,369-1,611,394 gives the same sequence; the c. name uses the placement nearest the transcript's 3' end. VCF-style (leftmost placement, unchanged base first): chr6-1611368-TCAGCGTGGACAACATCATGACGTCG-T. GRCh37 (hg19) VCF-style: chr6-1611603-TCAGCGTGGACAACATCATGACGTCG-T.
Other names: short protein forms S309fs.
Identifiers: ClinVar variation 375430 (VCV000375430.3), dbSNP rs1057519481, ClinGen allele CA16044269.

ClinVar aggregate classification (germline): Pathogenic (0 of 4 stars; one submission).

Conditions:
Axenfeld-Rieger syndrome type 3 (RIEG3). Also called: AXENFELD-RIEGER ANOMALY WITH CARDIAC DEFECTS AND/OR SENSORINEURAL HEARING LOSS. Identifiers: Orphanet 782, MedGen C2678503, MONDO:0011233, OMIM 602482.

Submission:

Genetics and Molecular Pathology, SA Pathology
Classification: Pathogenic for Axenfeld-Rieger syndrome type 3. Last evaluated: 2014-10-15. Review status: no assertion criteria provided. Collection method: clinical testing. Allele origin: maternal. Inheritance: Autosomal dominant inheritance. Affected: yes. Observed: 5 variant alleles, 5 heterozygotes.
Comment: Frame-shift introducing premature terminating codon (PTC) effecting functional haploinufficiency; clinical significance consistent with FOXC1 PTC variants found upstream and down stream of this position - each regarded as pathogenic in published literature.